The following is an entry in ClinVar:

ClinVar aggregate classification (germline): Uncertain significance (1 of 4 stars; one submission).

gnomAD v4.1: 2 of 1,614,198 alleles (0.00012%); highest among the groups gnomAD compares: South Asian, 0.0011%; no homozygotes.

Submission:

Labcorp Genetics (formerly Invitae), Labcorp
Classification: Uncertain significance. Last evaluated: 2025-09-10. Review status: criteria provided, single submitter. Criteria: Invitae Variant Classification Sherloc (09022015). Collection method: clinical testing. Allele origin: germline.
Comment: This sequence change replaces serine, which is neutral and polar, with threonine, which is neutral and polar, at codon 106 of the RFWD3 protein (p.Ser106Thr). This variant is not present in population databases (gnomAD no frequency). This variant has not been reported in the literature in individuals affected with RFWD3-related conditions. An algorithm developed to predict the effect of missense changes on protein structure and function (PolyPhen-2) suggests that this variant is likely to be tolerated. In summary, the available evidence is currently insufficient to determine the role of this variant in disease. Therefore, it has been classified as a Variant of Uncertain Significance.

NM_018124.4(RFWD3):c.316T>A (p.Ser106Thr)

Gene: RFWD3 (ring finger and WD repeat domain 3; minus strand). Cytogenetic location: 16q23.1.
Variant type: single nucleotide variant.
Coding change: c.316T>A on transcript NM_018124.4 (MANE Select); coding-DNA position 316, T replaced by A.
Protein change: p.Ser106Thr; replaces serine 106 with threonine.
Molecular consequence: missense variant. On other transcripts: 5 prime UTR variant (4), intron variant (1).
Genome position (GRCh38, 1-based): chr16:74,661,134, A>T on the plus strand (T>A on the coding strand, the complement: RFWD3 is on the minus strand). VCF-style: chr16-74661134-A-T. GRCh37 (hg19) VCF-style: chr16-74695032-A-T.
Other names: c.316T>A, p.Ser106Thr (NM_001370534.1, NM_001370535.1, NM_001370536.1); c.-693T>A (NM_001370537.1); c.-316T>A (NM_001370539.1); c.-570T>A (NM_001370542.1); c.-448T>A (NM_001370543.1); c.-317+3490T>A (NM_001370540.1); short protein forms S106T.
Identifiers: ClinVar variation 4805270 (VCV004805270.1).
Genomic context (GRCh38, chr16:74,661,134, plus strand): 5'-CGCTGATGAAGTTGGTCATTGAATGCAACGAAGATGCTGGGATGGTGTGATTACCATCAG[A>T]TCCCTGCCTATGTTGTTCTGAAGTTCTTGGATTGATGTTCTCCACAGTGTCTTCTCCCAA-3'
Protein context (NP_060594.3, residues 96-116): PRTSEQHRQG[Ser106Thr]DGNHTIPASS